The following is an entry in ClinVar:

ClinVar aggregate classification (germline): Uncertain significance (1 of 4 stars; one submission).

Conditions:
Peroxisome biogenesis disorder. Identifiers: Orphanet 79189, MedGen C1832200, MONDO:0019234. Disease mechanism: loss of function.

Allele frequency attached by ClinVar (database versions not stated): gnomAD exomes below 0.00001.
gnomAD v4.1: 1 of 1,555,170 alleles (0.000064%); highest among the groups gnomAD compares: South Asian, 0.0012%; no homozygotes.

Submission:

Labcorp Genetics (formerly Invitae), Labcorp
Classification: Uncertain significance for Peroxisome biogenesis disorder. Last evaluated: 2021-09-24. Review status: criteria provided, single submitter. Criteria: Invitae Variant Classification Sherloc (09022015). Collection method: clinical testing. Allele origin: germline.
Comment: This sequence change replaces valine with methionine at codon 157 of the PEX6 protein (p.Val157Met). The valine residue is weakly conserved and there is a small physicochemical difference between valine and methionine. The frequency data for this variant in the population databases is considered unreliable, as metrics indicate poor data quality at this position in the ExAC database. This variant has not been reported in the literature in individuals with PEX6-related conditions. Algorithms developed to predict the effect of missense changes on protein structure and function are either unavailable or do not agree on the potential impact of this missense change (SIFT: "Deleterious"; PolyPhen-2: "Benign"; Align-GVGD: "Class C0"). In summary, the available evidence is currently insufficient to determine the role of this variant in disease. Therefore, it has been classified as a Variant of Uncertain Significance.

NM_000287.4(PEX6):c.469G>A (p.Val157Met)

Gene: PEX6 (peroxisomal biogenesis factor 6; minus strand). Cytogenetic location: 6p21.1.
Variant type: single nucleotide variant.
Coding change: c.469G>A on transcript NM_000287.4 (MANE Select); coding-DNA position 469, G replaced by A.
Protein change: p.Val157Met; replaces valine 157 with methionine.
Molecular consequence: missense variant. On other transcripts: non-coding transcript variant (1).
Genome position (GRCh38, 1-based): chr6:42,978,682, C>T on the plus strand (G>A on the coding strand, the complement: PEX6 is on the minus strand). VCF-style: chr6-42978682-C-T. GRCh37 (hg19) VCF-style: chr6-42946420-C-T.
Other names: c.469G>A, p.Val157Met (NM_001316313.2); short protein forms V157M.
Identifiers: ClinVar variation 1354830 (VCV001354830.5), dbSNP rs777547423, ClinGen allele CA3811617.